The following is an entry in ClinVar:

ClinVar aggregate classification (germline): Pathogenic. Review status: criteria provided, multiple submitters, no conflicts (2 of 4 stars). 2 submissions from 2 submitters: Pathogenic (2). Last evaluated 2025-12-06.

Conditions:
Osteogenesis imperfecta type I (OI1). Also called: Lobstein disease; Classic Non-deforming Osteogenesis Imperfecta with Blue Sclerae; OI, TYPE I; OSTEOGENESIS IMPERFECTA TARDA; OSTEOGENESIS IMPERFECTA WITH BLUE SCLERAE; Osteogenesis imperfecta type 1. Identifiers: Orphanet 216796, Orphanet 666, MedGen C0023931, MONDO:0008146, OMIM 166200. Disease mechanism: loss of function.

Submissions (2):

Labcorp Genetics (formerly Invitae), Labcorp
Classification: Pathogenic for Osteogenesis imperfecta type I. Last evaluated: 2025-12-06. Review status: criteria provided, single submitter. Criteria: Invitae Variant Classification Sherloc (09022015). Collection method: clinical testing. Allele origin: germline.
Comment: This sequence change creates a premature translational stop signal (p.Ala340Leufs*201) in the COL1A1 gene. It is expected to result in an absent or disrupted protein product. Loss-of-function variants in COL1A1 are known to be pathogenic (PMID: 7942841, 9295084, 9443882). This variant is not present in population databases (gnomAD no frequency). This premature translational stop signal has been observed in individual(s) with osteogenesis imperfecta (PMID: 33939306). This variant is also known as p.Ala340LysfsTer201. ClinVar contains an entry for this variant (Variation ID: 1458620). For these reasons, this variant has been classified as Pathogenic.

Clinical Biomedical Laboratory, Shriners Hospital For Children - Canada
Classification: Pathogenic for Osteogenesis imperfecta type I. Review status: criteria provided, single submitter. Criteria: ACMG Guidelines, 2015. Collection method: clinical testing. Allele origin: germline. Affected: yes.
Comment: This variant is predicted to substitute an alanine residue by a leucine residue and introduce a stop codon 201 amino acids downstream. This is expected to lead to degradation of the affected transcript and loss of function of the affected allele. This variant is absent from the Genome Aggregation Database (v2.1.1.), indicating it is very rare. This variant has been reported in the literature (PMID 33939306). Based on the ACMG variant interpretation guidelines (criteria: PVS1, PM2), the available evidence supports classification of this variant as pathogenic.

Literature cited by the submitters: PubMed 7942841 (cited by Labcorp Genetics (formerly Invitae), Labcorp); PubMed 9295084 (cited by Labcorp Genetics (formerly Invitae), Labcorp); PubMed 9443882 (cited by Labcorp Genetics (formerly Invitae), Labcorp); PubMed 33939306 (cited by Labcorp Genetics (formerly Invitae), Labcorp).

NM_000088.4(COL1A1):c.1017del (p.Ala340fs)

Gene: COL1A1 (collagen type I alpha 1 chain; minus strand). Cytogenetic location: 17q21.33.
Variant type: Deletion.
Coding change: c.1017del on transcript NM_000088.4 (MANE Select); coding-DNA position 1017, one base deleted (C; older notation c.1017delC).
Protein change: p.Ala340fs; shifts the reading frame from alanine 340.
Molecular consequence: frameshift variant.
Genome position (GRCh38, 1-based): chr17:50,195,962, G deleted on the plus strand (C on the coding strand, the reverse complement: COL1A1 is on the minus strand); the first of 4 consecutive G bases (chr17:50,195,962-50,195,965); deleting any one gives the same sequence. VCF-style (leftmost placement, unchanged base first): chr17-50195961-CG-C. GRCh37 (hg19) VCF-style: chr17-48273322-CG-C.
Other names: short protein forms A340fs.
Identifiers: ClinVar variation 1458620 (VCV001458620.4), dbSNP rs2144578905, ClinGen allele CA2573154212.